The following is an entry in ClinVar:

NM_002691.4(POLD1):c.2371del (p.Arg791fs)

Gene: POLD1 (DNA polymerase delta 1, catalytic subunit; plus strand). Cytogenetic location: 19q13.33.
Variant type: Deletion.
Coding change: c.2371del on transcript NM_002691.4 (MANE Select); coding-DNA position 2371, one base deleted (C; older notation c.2371delC).
Protein change: p.Arg791fs; shifts the reading frame from arginine 791.
Molecular consequence: frameshift variant. On other transcripts: non-coding transcript variant (1).
Genome position (GRCh38, 1-based): chr19:50,413,862, C deleted; the last of 2 consecutive C bases (chr19:50,413,861-50,413,862); deleting either gives the same sequence. VCF-style (leftmost placement, unchanged base first): chr19-50413860-TC-T. GRCh37 (hg19) VCF-style: chr19-50917117-TC-T.
Other names: c.2371del, p.Arg791fs (NM_001256849.1); c.2449del, p.Arg817fs (NM_001308632.1); short protein forms R817fs, R791fs.
Identifiers: ClinVar variation 3655512 (VCV003655512.2).

ClinVar aggregate classification (germline): Uncertain significance (1 of 4 stars; one submission).

Conditions:
POLD1-related polyposis and colorectal cancer syndrome (CRCS10). Also called: Colorectal cancer 10; COLORECTAL CANCER, SUSCEPTIBILITY TO, ON CHROMOSOME 19q; Colorectal cancer, susceptibility to, 10. Identifiers: Orphanet 220460, MedGen C2675481, MONDO:0012953, OMIM 612591.

Submission:

Labcorp Genetics (formerly Invitae), Labcorp
Classification: Uncertain significance for POLD1-related polyposis and colorectal cancer syndrome. Last evaluated: 2024-06-04. Review status: criteria provided, single submitter. Criteria: Invitae Variant Classification Sherloc (09022015). Collection method: clinical testing. Allele origin: germline.
Comment: This sequence change creates a premature translational stop signal (p.Arg791Glyfs*97) in the POLD1 gene. Missense variants that disrupt the 3'-5' exonuclease (proof-reading) activity of the POLD1 protein are associated with PPAP (polymerase proofreading–associated polyposis) (PMID: 23263490, 23447401). However, loss-of-function variants that result in an absent or severely disrupted POLD1 protein, and missense variants outside the exonuclease domain, are unlikely to be associated with PPAP. This variant is not present in population databases (gnomAD no frequency). This variant has not been reported in the literature in individuals affected with POLD1-related conditions. In summary, the available evidence is currently insufficient to determine the role of this variant in disease. Therefore, it has been classified as a Variant of Uncertain Significance.

Literature cited by the submitters: PubMed 23263490; PubMed 23447401.